The following is an entry in ClinVar:

NM_000089.4(COL1A2):c.595-3T>G

Gene: COL1A2 (collagen type I alpha 2 chain; plus strand). Cytogenetic location: 7q21.3.
Variant type: single nucleotide variant.
Coding change: c.595-3T>G on transcript NM_000089.4 (MANE Select); 3 bases into the intron before coding-DNA position 595, T replaced by G.
Molecular consequence: intron variant.
Genome position (GRCh38, 1-based): chr7:94,407,844, T>G. VCF-style: chr7-94407844-T-G. GRCh37 (hg19) VCF-style: chr7-94037156-T-G.
Identifiers: ClinVar variation 3767800 (VCV003767800.1).
Genomic context (GRCh38, chr7:94,407,844, plus strand): 5'-TGCACTATCAGGAAAAATAATTGTTATATTTAATGAACAAAAACTCAATCCTTCTCCATG[T>G]AGGGTGAACCTGGTGCCCCTGGTGAAAATGGAACTCCAGGTCAAACAGTAAGTATTGACT-3'

ClinVar aggregate classification (germline): Uncertain significance (1 of 4 stars; one submission).

Submission:

GeneDx
Classification: Uncertain significance. Last evaluated: 2024-09-04. Review status: criteria provided, single submitter. Criteria: GeneDx Variant Classification Process June 2021. Collection method: clinical testing. Allele origin: germline. Affected: yes.
Comment: Not observed at significant frequency in large population cohorts (gnomAD); In silico analysis supports a deleterious effect on splicing; Has not been previously published as pathogenic or benign to our knowledge